The following is an entry in ClinVar:

NM_001164277.2(SLC37A4):c.68T>G (p.Leu23Arg)

Gene: SLC37A4 (solute carrier family 37 member 4; minus strand). Cytogenetic location: 11q23.3.
Variant type: single nucleotide variant.
Coding change: c.68T>G on transcript NM_001164277.2 (MANE Select); coding-DNA position 68, T replaced by G.
Protein change: p.Leu23Arg; replaces leucine 23 with arginine.
Molecular consequence: missense variant. On other transcripts: intron variant (1).
Genome position (GRCh38, 1-based): chr11:119,029,302, A>C on the plus strand (T>G on the coding strand, the complement: SLC37A4 is on the minus strand). VCF-style: chr11-119029302-A-C. GRCh37 (hg19) VCF-style: chr11-118900012-A-C.
Other names: c.68T>G, p.Leu23Arg (NM_001164278.2, NM_001164280.2, NM_001467.6); c.-172+90T>G (NM_001164279.2); short protein forms L23R.
Identifiers: ClinVar variation 3704423 (VCV003704423.2).

ClinVar aggregate classification (germline): Uncertain significance (1 of 4 stars; one submission).

Conditions:
Glucose-6-phosphate transport defect (GSD1B). Also called: Glycogen Storage Disease Type Ib; GSD Ib. Identifiers: Orphanet 364, Orphanet 79259, MedGen C0268146, MONDO:0009288, OMIM 232220.

Submission:

Labcorp Genetics (formerly Invitae), Labcorp
Classification: Uncertain significance for Glucose-6-phosphate transport defect. Last evaluated: 2024-09-06. Review status: criteria provided, single submitter. Criteria: Invitae Variant Classification Sherloc (09022015). Collection method: clinical testing. Allele origin: germline.
Comment: This sequence change replaces leucine, which is neutral and non-polar, with arginine, which is basic and polar, at codon 23 of the SLC37A4 protein (p.Leu23Arg). This variant is not present in population databases (gnomAD no frequency). This missense change has been observed in individuals with autosomal recessive glycogen storage disease (PMID: 21575371, 32005694; internal data). Invitae Evidence Modeling of protein sequence and biophysical properties (such as structural, functional, and spatial information, amino acid conservation, physicochemical variation, residue mobility, and thermodynamic stability) indicates that this missense variant is expected to disrupt SLC37A4 protein function with a positive predictive value of 80%. In summary, the available evidence is currently insufficient to determine the role of this variant in disease. Therefore, it has been classified as a Variant of Uncertain Significance.

Literature cited by the submitters: PubMed 21575371; PubMed 32005694.